The following is an entry in ClinVar:

NM_001008212.2(OPTN):c.177G>C (p.Lys59Asn)

Genes: OPTN (optineurin; plus strand), LOC108903148 (10p13 OPTN distal Alu-mediated recombination region; plus strand). Cytogenetic location: 10p13.
Variant type: single nucleotide variant.
Coding change: c.177G>C on transcript NM_001008212.2 (MANE Select); coding-DNA position 177, G replaced by C.
Protein change: p.Lys59Asn; replaces lysine 59 with asparagine.
Molecular consequence: missense variant.
Genome position (GRCh38, 1-based): chr10:13,110,284, G>C. VCF-style: chr10-13110284-G-C. GRCh37 (hg19) VCF-style: chr10-13152284-G-C.
Other names: c.177G>C, p.Lys59Asn (NM_001008211.1, NM_001008213.1, NM_021980.4); short protein forms K59N.
Identifiers: ClinVar variation 1477100 (VCV001477100.8), dbSNP rs1487584331, ClinGen allele CA376027318.

ClinVar aggregate classification (germline): Uncertain significance. Review status: criteria provided, multiple submitters, no conflicts (2 of 4 stars). 2 submissions from 2 submitters: Uncertain significance (2). Last evaluated 2024-05-08.

Conditions:
Inborn genetic diseases. Identifiers: MedGen C0950123, MeSH D030342.
Primary open angle glaucoma (POAG). Also called: OPTN-related open angle glaucoma. Identifiers: MedGen C0339573, MONDO:0100553, OMIM 137760.
Glaucoma 1, open angle, E. Identifiers: MedGen C1842026, MONDO:0007665.
Amyotrophic lateral sclerosis type 12 (ALS12). Also called: AMYOTROPHIC LATERAL SCLEROSIS 12 WITH OR WITHOUT FRONTOTEMPORAL DEMENTIA. Identifiers: Orphanet 803, MedGen C3150692, MONDO:0013264, OMIM 613435.

Allele frequency attached by ClinVar (database versions not stated): TOPMed below 0.00001; gnomAD 0.00001; gnomAD exomes 0.00002.
gnomAD v4.1: 13 of 1,613,802 alleles (0.00081%); highest among the groups gnomAD compares: Non-Finnish European, 0.0011%; no homozygotes.

Submissions (2):

Labcorp Genetics (formerly Invitae), Labcorp
Classification: Uncertain significance for Primary open angle glaucoma; Glaucoma 1, open angle, E; Amyotrophic lateral sclerosis type 12. Last evaluated: 2024-05-08. Review status: criteria provided, single submitter. Criteria: Invitae Variant Classification Sherloc (09022015). Collection method: clinical testing. Allele origin: germline.
Comment: This sequence change replaces lysine, which is basic and polar, with asparagine, which is neutral and polar, at codon 59 of the OPTN protein (p.Lys59Asn). This variant is present in population databases (no rsID available, gnomAD 0.004%). This missense change has been observed in individual(s) with amyotrophic lateral sclerosis (PMID: 21074290). ClinVar contains an entry for this variant (Variation ID: 1477100). Advanced modeling of protein sequence and biophysical properties (such as structural, functional, and spatial information, amino acid conservation, physicochemical variation, residue mobility, and thermodynamic stability) performed at Invitae indicates that this missense variant is not expected to disrupt OPTN protein function with a negative predictive value of 80%. In summary, the available evidence is currently insufficient to determine the role of this variant in disease. Therefore, it has been classified as a Variant of Uncertain Significance.

Ambry Genetics
Classification: Uncertain significance for Inborn genetic diseases. Last evaluated: 2023-07-31. Review status: criteria provided, single submitter. Criteria: Ambry Variant Classification Scheme 2023. Collection method: clinical testing. Allele origin: germline.
Comment: The c.177G>C (p.K59N) alteration is located in exon 3 (coding exon 2) of the OPTN gene. This alteration results from a G to C substitution at nucleotide position 177, causing the lysine (K) at amino acid position 59 to be replaced by an asparagine (N). The alteration is rare in population databases: _x000D_ _x000D_ Based on data from the Genome Aggregation Database (gnomAD), the c.177G>C alteration was observed in 0.002% (5/251,012) of total alleles studied. This amino acid position is well conserved in available vertebrate species. The alteration is predicted deleterious by in silico models:_x000D_ _x000D_ The p.K59N alteration is predicted to be probably damaging by Polyphen and deleterious by SIFT in silico analyses. Based on insufficient or conflicting evidence, the clinical significance of this alteration remains unclear.

Literature cited by the submitters: PubMed 21074290 (cited by Labcorp Genetics (formerly Invitae), Labcorp and Ambry Genetics).